The following is an entry in ClinVar:

NM_000362.5(TIMP3):c.176C>T (p.Thr59Met)

Genes: SYN3 (synapsin III; minus strand), TIMP3 (TIMP metallopeptidase inhibitor 3; plus strand). Cytogenetic location: 22q12.3.
Variant type: single nucleotide variant.
Coding change: c.176C>T on transcript NM_000362.5 (MANE Select); coding-DNA position 176, C replaced by T.
Protein change: p.Thr59Met; replaces threonine 59 with methionine.
Molecular consequence: missense variant. On other transcripts: intron variant (7).
Genome position (GRCh38, 1-based): chr22:32,849,506, C>T. VCF-style: chr22-32849506-C-T. GRCh37 (hg19) VCF-style: chr22-33245493-C-T.
Other names: c.708+15409G>A (NM_001369909.1, NM_001135774.2, NM_001369910.1); c.711+15409G>A (NM_001369907.1, NM_003490.4, NM_001369908.1 and 1 more transcripts); c.176C>T (NM_000362.4); short protein forms T59M.
Identifiers: ClinVar variation 1060072 (VCV001060072.11), dbSNP rs779515006, ClinGen allele CA10202183.
Genomic context (GRCh38, chr22:32,849,506, plus strand): 5'-CTGCAGTGATCCGGGCCAAGGTGGTGGGGAAGAAGCTGGTAAAGGAGGGGCCCTTCGGCA[C>T]GCTGGTCTACACCATCAAGCAGATGAAGGTAGGTAATGTCATCACCCTGGCTCCGGGAAG-3'
Protein context (NP_000353.1, residues 49-69): KKLVKEGPFG[Thr59Met]LVYTIKQMKM

ClinVar aggregate classification (germline): Uncertain significance. Review status: criteria provided, multiple submitters, no conflicts (2 of 4 stars). 3 submissions from 3 submitters: Uncertain significance (3). Last evaluated 2026-02-11.

Conditions:
TIMP3-related disorder. Also called: TIMP3-related condition.

Allele frequency attached by ClinVar (database versions not stated): ExAC 0.00001; gnomAD 0.00002 and 0.00003; gnomAD exomes 0.00002; TOPMed 0.00004.
gnomAD v4.1: 88 of 1,613,500 alleles (0.0055%); highest among the groups gnomAD compares: Non-Finnish European, 0.0064%; no homozygotes.

Submissions (3):

PreventionGenetics, part of Exact Sciences
Classification: Uncertain significance for TIMP3-related condition. Last evaluated: 2026-02-11. Review status: criteria provided, single submitter. Criteria: ACMG Guidelines, 2015. Collection method: clinical testing. Allele origin: germline.
Comment: The TIMP3 c.176C>T variant is predicted to result in the amino acid substitution p.Thr59Met. To our knowledge, this variant has not been reported in the literature. This variant is reported in 0.0054% of alleles in individuals of East Asian descent in gnomAD. At this time, the clinical significance of this variant is uncertain due to the absence of conclusive functional and genetic evidence.

Labcorp Genetics (formerly Invitae), Labcorp
Classification: Uncertain significance. Last evaluated: 2025-12-01. Review status: criteria provided, single submitter. Criteria: Invitae Variant Classification Sherloc (09022015). Collection method: clinical testing. Allele origin: germline.
Comment: This sequence change replaces threonine, which is neutral and polar, with methionine, which is neutral and non-polar, at codon 59 of the TIMP3 protein (p.Thr59Met). This variant is present in population databases (rs779515006, gnomAD 0.006%). This variant has not been reported in the literature in individuals affected with TIMP3-related conditions. ClinVar contains an entry for this variant (Variation ID: 1060072). An algorithm developed to predict the effect of missense changes on protein structure and function (PolyPhen-2) suggests that this variant is likely to be disruptive. In summary, the available evidence is currently insufficient to determine the role of this variant in disease. Therefore, it has been classified as a Variant of Uncertain Significance.

Blueprint Genetics
Classification: Uncertain significance. Last evaluated: 2021-10-12. Review status: criteria provided, single submitter. Criteria: ACMG Guidelines, 2015. Collection method: clinical testing. Allele origin: germline.